The following is an entry in ClinVar:

ClinVar aggregate classification (germline): Uncertain significance (1 of 4 stars; one submission).

Submission:

Labcorp Genetics (formerly Invitae), Labcorp
Classification: Uncertain significance. Last evaluated: 2024-12-04. Review status: criteria provided, single submitter. Criteria: Invitae Variant Classification Sherloc (09022015). Collection method: clinical testing. Allele origin: germline.
Comment: This sequence change replaces alanine, which is neutral and non-polar, with serine, which is neutral and polar, at codon 52 of the ADGRA3 protein (p.Ala52Ser). This variant is not present in population databases (gnomAD no frequency). This variant has not been reported in the literature in individuals affected with ADGRA3-related conditions. An algorithm developed to predict the effect of missense changes on protein structure and function outputs the following: PolyPhen-2: "Benign". The serine amino acid residue is found in multiple mammalian species, which suggests that this missense change does not adversely affect protein function. In summary, the available evidence is currently insufficient to determine the role of this variant in disease. Therefore, it has been classified as a Variant of Uncertain Significance.

NM_145290.4(ADGRA3):c.154G>T (p.Ala52Ser)

Gene: ADGRA3 (adhesion G protein-coupled receptor A3; minus strand). Cytogenetic location: 4p15.2.
Variant type: single nucleotide variant.
Coding change: c.154G>T on transcript NM_145290.4 (MANE Select); coding-DNA position 154, G replaced by T.
Protein change: p.Ala52Ser; replaces alanine 52 with serine.
Molecular consequence: missense variant.
Genome position (GRCh38, 1-based): chr4:22,515,631, C>A on the plus strand (G>T on the coding strand, the complement: ADGRA3 is on the minus strand). VCF-style: chr4-22515631-C-A. GRCh37 (hg19) VCF-style: chr4-22517254-C-A.
Other names: short protein forms A52S.
Identifiers: ClinVar variation 3726659 (VCV003726659.2).